The following is an entry in ClinVar:

NM_000548.5(TSC2):c.4707C>G (p.Tyr1569Ter)

Gene: TSC2 (TSC complex subunit 2; plus strand). Cytogenetic location: 16p13.3.
Variant type: single nucleotide variant.
Coding change: c.4707C>G on transcript NM_000548.5 (MANE Select); coding-DNA position 4707, C replaced by G.
Protein change: p.Tyr1569Ter; replaces tyrosine 1569 with a stop codon.
Molecular consequence: nonsense.
Genome position (GRCh38, 1-based): chr16:2,086,237, C>G. VCF-style: chr16-2086237-C-G. GRCh37 (hg19) VCF-style: chr16-2136238-C-G.
Other names: c.4506C>G, p.Tyr1502Ter (NM_001077183.3); c.4638C>G, p.Tyr1546Ter (NM_001114382.3); c.4398C>G, p.Tyr1466Ter (NM_001318827.2); c.4362C>G, p.Tyr1454Ter (NM_001318829.2); c.3975C>G, p.Tyr1325Ter (NM_001318831.2); c.4539C>G, p.Tyr1513Ter (NM_001318832.2); c.4509C>G, p.Tyr1503Ter (NM_001363528.2); c.4575C>G, p.Tyr1525Ter (NM_001370404.1); and 1 more; short protein forms Y1569*, Y1466*, Y1513*, Y1526*, Y1503*, Y1325*, Y1454*, Y1502*.
Identifiers: ClinVar variation 65367 (VCV000065367.6), dbSNP rs397515277, ClinGen allele CA020928.
Genomic context (GRCh38, chr16:2,086,237, plus strand): 5'-TCCCCTCTCCCCACAGAGCAACAGCGAGCTCGCCATCCTGTCCAATGAGCATGGCTCCTA[C>G]AGGTACACGGAGTTCCTGACGGGCCTGGGCCGGCTCATCGAGCTGAAGGACTGCCAGCCG-3'

ClinVar aggregate classification (germline): Pathogenic. Review status: criteria provided, multiple submitters, no conflicts (2 of 4 stars). 3 submissions from 3 submitters: Pathogenic (2). 1 of the submissions does not count toward it. Last evaluated 2026-03-24.

Conditions:
Tuberous sclerosis syndrome (TSC). Also called: Tuberous Sclerosis Complex; Tuberous sclerosis. Identifiers: Orphanet 805, MedGen C0041341, MONDO:0001734.
Tuberous sclerosis 2 (TSC2). Identifiers: Orphanet 805, MedGen C1860707, MONDO:0013199, OMIM 613254.

Submissions (3):

Institute of Human Genetics, University of Leipzig Medical Center
Classification: Pathogenic for Tuberous sclerosis 2. Last evaluated: 2026-03-24. Review status: criteria provided, single submitter. Criteria: ACMG Guidelines, 2015. Collection method: clinical testing. Allele origin: unknown. Inheritance: Autosomal dominant inheritance. Affected: yes.
Comment: Criteria applied: PVS1,PM2

Labcorp Genetics (formerly Invitae), Labcorp
Classification: Pathogenic for Tuberous sclerosis 2. Last evaluated: 2022-01-04. Review status: criteria provided, single submitter. Criteria: Invitae Variant Classification Sherloc (09022015). Collection method: clinical testing. Allele origin: germline.
Comment: For these reasons, this variant has been classified as Pathogenic. ClinVar contains an entry for this variant (Variation ID: 65367). This premature translational stop signal has been observed in individual(s) with TSC2-related conditions (PMID: 29925043). This variant is not present in population databases (gnomAD no frequency). This sequence change creates a premature translational stop signal (p.Tyr1569*) in the TSC2 gene. It is expected to result in an absent or disrupted protein product. Loss-of-function variants in TSC2 are known to be pathogenic (PMID: 10205261, 17304050).

Tuberous sclerosis database (TSC2)
No classification provided. Condition: TSC. Review status: no classification provided. Criteria: Tuberous Sclerosis Database Assertion Criteria 2015. Collection method: curation. Allele origin: germline. Affected: yes. Not counted in ClinVar's aggregate classification.

Literature cited by the submitters: PubMed 29925043 (cited by Labcorp Genetics (formerly Invitae), Labcorp); PubMed 10205261 (cited by Labcorp Genetics (formerly Invitae), Labcorp); PubMed 17304050 (cited by Labcorp Genetics (formerly Invitae), Labcorp).